The following is an entry in ClinVar:

NM_003072.5(SMARCA4):c.823C>T (p.Gln275Ter)

Gene: SMARCA4 (SWI/SNF related BAF chromatin remodeling complex subunit ATPase 4; plus strand). Cytogenetic location: 19p13.2.
Variant type: single nucleotide variant.
Coding change: c.823C>T on transcript NM_003072.5 (MANE Select); coding-DNA position 823, C replaced by T.
Protein change: p.Gln275Ter; replaces glutamine 275 with a stop codon.
Molecular consequence: nonsense. On other transcripts: non-coding transcript variant (1).
Genome position (GRCh38, 1-based): chr19:10,986,967, C>T. VCF-style: chr19-10986967-C-T. GRCh37 (hg19) VCF-style: chr19-11097643-C-T.
Other names: c.823C>T, p.Gln275Ter (NM_001128844.3, NM_001128845.2, NM_001128846.2 and 5 more transcripts); short protein forms Q275*.
Identifiers: ClinVar variation 537803 (VCV000537803.6), dbSNP rs1555754293, ClinGen allele CA404058068.
Genomic context (GRCh38, chr19:10,986,967, plus strand): 5'-ATGGGAGGGCCCAACATGCCTCCCCCAGGACCCTCGGGCGTGCCCCCCGGGATGCCAGGC[C>T]AGCCTCCTGGAGGGCCTCCCAAGCCCTGGCCTGAAGGTGAGCTCCCTCTTCTATGGTGGT-3'

ClinVar aggregate classification (germline): Pathogenic (1 of 4 stars; one submission).

Conditions:
Rhabdoid tumor predisposition syndrome 2 (RTPS2). Identifiers: Orphanet 231108, Orphanet 69077, MedGen C2750074, MONDO:0013224, OMIM 613325.

Submission:

Labcorp Genetics (formerly Invitae), Labcorp
Classification: Pathogenic for Rhabdoid tumor predisposition syndrome 2. Last evaluated: 2017-10-30. Review status: criteria provided, single submitter. Criteria: Invitae Variant Classification Sherloc (09022015). Collection method: clinical testing. Allele origin: germline.
Comment: Loss-of-function variants in SMARCA4 are known to be pathogenic (PMID: 24658001, 24658002). For these reasons, this variant has been classified as Pathogenic. This variant has not been reported in the literature in individuals with SMARCA4-related disease. This variant is not present in population databases (ExAC no frequency). This sequence change creates a premature translational stop signal (p.Gln275*) in the SMARCA4 gene. It is expected to result in an absent or disrupted protein product.

Literature cited by the submitters: PubMed 24658001; PubMed 24658002.